The following is an entry in ClinVar:

ClinVar aggregate classification (germline): Uncertain significance (1 of 4 stars; one submission).

Allele frequency attached by ClinVar (database versions not stated): TOPMed 0.00002; gnomAD exomes 0.00003; ESP Exome Variant Server 0.00008.
gnomAD v4.1: 42 of 1,613,100 alleles (0.0026%); highest among the groups gnomAD compares: Non-Finnish European, 0.0031%; no homozygotes.

Submission:

GeneDx
Classification: Uncertain significance. Last evaluated: 2022-09-10. Review status: criteria provided, single submitter. Criteria: GeneDx Variant Classification Process June 2021. Collection method: clinical testing. Allele origin: germline. Affected: yes.
Comment: In silico analysis supports that this missense variant does not alter protein structure/function; Has not been previously published as pathogenic or benign to our knowledge

NM_004667.6(HERC2):c.5395G>A (p.Ala1799Thr)

Gene: HERC2 (HECT and RLD domain containing E3 ubiquitin protein ligase 2; minus strand). Cytogenetic location: 15q13.1.
Variant type: single nucleotide variant.
Coding change: c.5395G>A on transcript NM_004667.6 (MANE Select); coding-DNA position 5395, G replaced by A.
Protein change: p.Ala1799Thr; replaces alanine 1799 with threonine.
Molecular consequence: missense variant.
Genome position (GRCh38, 1-based): chr15:28,228,287, C>T on the plus strand (G>A on the coding strand, the complement: HERC2 is on the minus strand). VCF-style: chr15-28228287-C-T. GRCh37 (hg19) VCF-style: chr15-28473433-C-T.
Other names: short protein forms A1799T.
Identifiers: ClinVar variation 1704984 (VCV001704984.2), dbSNP rs146329700, ClinGen allele CA7442363.